The following is an entry in ClinVar:

NM_000540.3(RYR1):c.9503C>T (p.Thr3168Met)

Gene: RYR1 (ryanodine receptor 1; plus strand). Cytogenetic location: 19q13.2.
Variant type: single nucleotide variant.
Coding change: c.9503C>T on transcript NM_000540.3 (MANE Select); coding-DNA position 9503, C replaced by T.
Protein change: p.Thr3168Met; replaces threonine 3168 with methionine.
Molecular consequence: missense variant.
Genome position (GRCh38, 1-based): chr19:38,515,056, C>T. VCF-style: chr19-38515056-C-T. GRCh37 (hg19) VCF-style: chr19-39005696-C-T.
Other names: c.9503C>T, p.Thr3168Met (NM_001042723.2); short protein forms T3168M.
Identifiers: ClinVar variation 3385505 (VCV003385505.2).

ClinVar aggregate classification (germline): Uncertain significance. Review status: criteria provided, multiple submitters, no conflicts (2 of 4 stars). 2 submissions from 2 submitters: Uncertain significance (2). Last evaluated 2024-04-16.

Conditions:
Malignant hyperthermia, susceptibility to, 1 (MHS1). Also called: Anesthesia related hyperthermia; Malignant hyperpyrexia; Fulminating hyperpyrexia; Pharmacogenic myopathy; Malignant hyperthermia suceptibility 1; RYR1-Related Malignant Hyperthermia Susceptibility. Identifiers: Orphanet 423, MedGen C2930980, MONDO:0007783, OMIM 145600.

gnomAD v4.1: 4 of 1,613,310 alleles (0.00025%); highest among the groups gnomAD compares: East Asian, 0.0022%; no homozygotes.

Submissions (2):

All of Us Research Program, National Institutes of Health
Classification: Uncertain significance for Malignant hyperthermia, susceptibility to, 1. Last evaluated: 2024-04-16. Review status: criteria provided, single submitter. Criteria: ACMG Guidelines, 2015. Collection method: clinical testing. Allele origin: germline. Inheritance: Autosomal dominant inheritance. Observed: 1 variant allele, 1 heterozygote.
Comment: This missense variant replaces threonine with methionine at codon 3168 of the RYR1 protein. Computational prediction suggests that this variant may not impact protein structure and function (internally defined REVEL score threshold <= 0.5, PMID: 27666373). To our knowledge, functional studies have not been reported for this variant. This variant has not been reported in individuals affected with RYR1-related disorders in the literature. This variant has been identified in 2/251314 chromosomes in the general population by the Genome Aggregation Database (gnomAD). The available evidence is insufficient to determine the role of this variant in disease conclusively. Therefore, this variant is classified as a Variant of Uncertain Significance.

This study involves interpretation of variants in research participants for the purpose of population health screening. Participant phenotype was not available at the time of variant classification. Additional details can be found in publication PMID: 35346344, PMCID: PMC8962531

Color Diagnostics, LLC DBA Color Health
Classification: Uncertain significance for Malignant hyperthermia, susceptibility to, 1. Last evaluated: 2024-04-03. Review status: criteria provided, single submitter. Criteria: ACMG Guidelines, 2015. Collection method: clinical testing. Allele origin: germline.
Comment: This missense variant replaces threonine with methionine at codon 3168 of the RYR1 protein. Computational prediction suggests that this variant may not impact protein structure and function. To our knowledge, functional studies have not been reported for this variant. This variant has not been reported in individuals affected with RYR1-related disorders in the literature. This variant has been identified in 2/251314 chromosomes in the general population by the Genome Aggregation Database (gnomAD). The available evidence is insufficient to determine the role of this variant in disease conclusively. Therefore, this variant is classified as a Variant of Uncertain Significance.